The following is an entry in ClinVar:

NM_000044.6(AR):c.2117A>G (p.Asn706Ser)

Gene: AR (androgen receptor; plus strand). Cytogenetic location: Xq12.
Variant type: single nucleotide variant.
Coding change: c.2117A>G on transcript NM_000044.6 (MANE Select); coding-DNA position 2117, A replaced by G.
Protein change: p.Asn706Ser; replaces asparagine 706 with serine.
Molecular consequence: missense variant.
Genome position (GRCh38, 1-based): chrX:67,711,633, A>G. VCF-style: chrX-67711633-A-G. GRCh37 (hg19) VCF-style: chrX-66931475-A-G.
Other names: c.521A>G, p.Asn174Ser (NM_001011645.3); short protein forms N706S, N174S.
Identifiers: ClinVar variation 492789 (VCV000492789.10), dbSNP rs925822435, ClinGen allele CA413423451.

ClinVar aggregate classification (germline): Pathogenic. Review status: criteria provided, multiple submitters, no conflicts (2 of 4 stars). 4 submissions from 4 submitters: Pathogenic (2). 2 of the submissions do not count toward it. Last evaluated 2025-12-06.

Conditions:
Androgen resistance syndrome (AIS). Also called: Androgen insensitivity, complete; Androgen insensitivity syndrome; DHTR DEFICIENCY; ANDROGEN RECEPTOR DEFICIENCY; DIHYDROTESTOSTERONE RECEPTOR DEFICIENCY; TESTICULAR FEMINIZATION SYNDROME. Identifiers: Orphanet 754, Orphanet 99429, MedGen C0039585, MONDO:0019154, OMIM 300068. Disease mechanism: loss of function.
Kennedy disease (SMAX1). Also called: Spinal and Bulbar Muscular Atrophy; SPINAL AND BULBAR MUSCULAR ATROPHY, X-LINKED 1; KENNEDY SPINAL AND BULBAR MUSCULAR ATROPHY. Identifiers: Orphanet 481, MedGen C1839259, MONDO:0010735, OMIM 313200.

Submissions (4):

Labcorp Genetics (formerly Invitae), Labcorp
Classification: Pathogenic for Kennedy disease; Androgen resistance syndrome. Last evaluated: 2025-12-06. Review status: criteria provided, single submitter. Criteria: Invitae Variant Classification Sherloc (09022015). Collection method: clinical testing. Allele origin: germline.
Comment: This sequence change replaces asparagine, which is neutral and polar, with serine, which is neutral and polar, at codon 706 of the AR protein (p.Asn706Ser). This variant is not present in population databases (gnomAD no frequency). This missense change has been observed in individual(s) with X-linked complete androgen insensitivity syndrome (PMID: 1480178, 31012339). This variant is also known as p.Asn705Ser. ClinVar contains an entry for this variant (Variation ID: 492789). Invitae Evidence Modeling of protein sequence and biophysical properties (such as structural, functional, and spatial information, amino acid conservation, physicochemical variation, residue mobility, and thermodynamic stability) indicates that this missense variant is expected to disrupt AR protein function with a positive predictive value of 95%. This variant disrupts the p.Asn706 amino acid residue in AR. Other variant(s) that disrupt this residue have been observed in individuals with AR-related conditions (PMID: 11744994, 11788645), which suggests that this may be a clinically significant amino acid residue. For these reasons, this variant has been classified as Pathogenic.

Clinical Genetics and Genomics, Karolinska University Hospital
Classification: Pathogenic. Last evaluated: 2015-08-12. Review status: criteria provided, single submitter. Criteria: ACMG Guidelines, 2015. Collection method: clinical testing. Allele origin: germline. Affected: yes. Observed: 1 variant allele.

Human Developmental Genetics, Institut Pasteur
Classification: Pathogenic for Androgen resistance syndrome. Last evaluated: 2021-08-17. Review status: no assertion criteria provided. Collection method: research. Allele origin: maternal. Inheritance: X-linked inheritance. Affected: yes. Not counted in ClinVar's aggregate classification.

Clinical Molecular Genetics Laboratory, Johns Hopkins All Children's Hospital
Classification: Pathogenic for Androgen resistance syndrome. Last evaluated: 2001-11-16. Review status: no assertion criteria provided. Collection method: clinical testing. Allele origin: germline. Affected: yes. Not counted in ClinVar's aggregate classification.

Literature cited by the submitters: PubMed 1480178 (cited by Labcorp Genetics (formerly Invitae), Labcorp); PubMed 31012339 (cited by Labcorp Genetics (formerly Invitae), Labcorp); PubMed 11744994 (cited by Labcorp Genetics (formerly Invitae), Labcorp); PubMed 11788645 (cited by Labcorp Genetics (formerly Invitae), Labcorp).